The following is an entry in ClinVar:

NM_001160148.2(DDHD1):c.312C>T (p.Ser104=)

Gene: DDHD1 (DDHD domain containing 1; minus strand). Cytogenetic location: 14q22.1.
Variant type: single nucleotide variant.
Coding change: c.312C>T on transcript NM_001160148.2 (MANE Select); coding-DNA position 312, C replaced by T.
Protein change: p.Ser104=; no amino-acid change (serine 104 retained).
Molecular consequence: synonymous variant.
Genome position (GRCh38, 1-based): chr14:53,152,787, G>A on the plus strand (C>T on the coding strand, the complement: DDHD1 is on the minus strand). VCF-style: chr14-53152787-G-A. GRCh37 (hg19) VCF-style: chr14-53619505-G-A.
Other names: c.312C>T, p.Ser104= (NM_001160147.2, NM_030637.3).
Identifiers: ClinVar variation 968825 (VCV000968825.10), dbSNP rs767690171, ClinGen allele CA7191541.

ClinVar aggregate classification (germline): Likely benign. Review status: criteria provided, multiple submitters, no conflicts (2 of 4 stars). 2 submissions from 2 submitters: Likely benign (2). Last evaluated 2025-08-01.

Conditions:
DDHD1-related disorder. Also called: DDHD1-related condition.
Hereditary spastic paraplegia 28. Also called: Spastic paraplegia 28, autosomal recessive. Identifiers: Orphanet 101008, MedGen C1836295, MONDO:0012256, OMIM 609340.

Allele frequency attached by ClinVar (database versions not stated): ExAC 0.00003; TOPMed 0.00003; gnomAD 0.00005; gnomAD exomes 0.00005 and 0.00012.
gnomAD v4.1: 180 of 1,594,194 alleles (0.011%); highest among the groups gnomAD compares: Non-Finnish European, 0.015%; no homozygotes.

Submissions (2):

PreventionGenetics, part of Exact Sciences
Classification: Likely benign for DDHD1-related condition. Last evaluated: 2025-08-01. Review status: criteria provided, single submitter. Criteria: ACMG Guidelines, 2015. Collection method: clinical testing. Allele origin: germline.
Comment: This variant is classified as likely benign based on ACMG/AMP sequence variant interpretation guidelines (Richards et al. 2015 PMID: 25741868, with internal and published modifications).

Labcorp Genetics (formerly Invitae), Labcorp
Classification: Likely benign for Hereditary spastic paraplegia 28. Last evaluated: 2023-08-17. Review status: criteria provided, single submitter. Criteria: Invitae Variant Classification Sherloc (09022015). Collection method: clinical testing. Allele origin: germline.